The following is an entry in ClinVar:

NM_000321.3(RB1):c.219A>C (p.Arg73Ser)

Gene: RB1 (RB transcriptional corepressor 1; plus strand). Cytogenetic location: 13q14.2.
Variant type: single nucleotide variant.
Coding change: c.219A>C on transcript NM_000321.3 (MANE Select); coding-DNA position 219, A replaced by C.
Protein change: p.Arg73Ser; replaces arginine 73 with serine.
Molecular consequence: missense variant.
Genome position (GRCh38, 1-based): chr13:48,307,361, A>C. VCF-style: chr13-48307361-A-C. GRCh37 (hg19) VCF-style: chr13-48881497-A-C.
Other names: short protein forms R73S.
Identifiers: ClinVar variation 428672 (VCV000428672.3), dbSNP rs1131690854, ClinGen allele CA388250603.

ClinVar aggregate classification (germline): Uncertain significance (1 of 4 stars; one submission).

Conditions:
Hereditary cancer-predisposing syndrome. Also called: Hereditary Cancer Syndrome; Neoplastic Syndromes, Hereditary; Hereditary neoplastic syndrome; Tumor predisposition. Identifiers: Orphanet 140162, MedGen C0027672, MeSH D009386, MONDO:0015356.

Submission:

Ambry Genetics
Classification: Uncertain significance for Hereditary cancer-predisposing syndrome. Last evaluated: 2013-01-10. Review status: criteria provided, single submitter. Criteria: Ambry Autosomal Dominant and X-Linked criteria (10/2015). Collection method: clinical testing. Allele origin: germline. Observed: 1 variant allele.
Comment: There is insufficient or conflicting evidence for classification of this alteration.